The following is an entry in ClinVar:

NM_001243279.3(ACSF3):c.1672C>T (p.Arg558Trp)

Gene: ACSF3 (acyl-CoA synthetase family member 3; plus strand). Cytogenetic location: 16q24.3.
Variant type: single nucleotide variant.
Coding change: c.1672C>T on transcript NM_001243279.3 (MANE Select); coding-DNA position 1672, C replaced by T.
Protein change: p.Arg558Trp; replaces arginine 558 with tryptophan.
Molecular consequence: missense variant. On other transcripts: non-coding transcript variant (4).
Genome position (GRCh38, 1-based): chr16:89,154,148, C>T. VCF-style: chr16-89154148-C-T. GRCh37 (hg19) VCF-style: chr16-89220556-C-T.
Other names: p.R558W:CGG>TGG; c.1672C>T, p.Arg558Trp (NM_001127214.4, NM_174917.5); c.877C>T, p.Arg293Trp (NM_001284316.2); short protein forms R558W, R293W.
Identifiers: ClinVar variation 31134 (VCV000031134.93), dbSNP rs141090143, ClinGen allele CA129703.

ClinVar aggregate classification (germline): Pathogenic/Likely pathogenic. Review status: criteria provided, multiple submitters, no conflicts (2 of 4 stars). 26 submissions from 26 submitters: Pathogenic (18); Likely pathogenic (6). 2 of the submissions do not count toward it. Last evaluated 2026-09-26.

Conditions:
ACSF3-related disorder. Also called: ACSF3-related condition.
Inborn genetic diseases. Identifiers: MedGen C0950123, MeSH D030342.
Combined malonic and methylmalonic acidemia. Identifiers: Orphanet 289504, MedGen C3280314, MONDO:0013661, OMIM 614265.

Allele frequency attached by ClinVar (database versions not stated): 1000 Genomes Project 30x 0.00078; gnomAD 0.00273 and 0.00278; TOPMed 0.00280; ESP Exome Variant Server 0.00346; 1000 Genomes Project 0.00080; ExAC 0.00274.
gnomAD v4.1: 7,287 of 1,613,416 alleles (0.45%); highest among the groups gnomAD compares: Non-Finnish European, 0.58%; 18 homozygotes.

Submissions 1 to 12 of 26:

PreventionGenetics, part of Exact Sciences
Classification: Pathogenic for ACSF3-related condition. Last evaluated: 2026-09-26. Review status: criteria provided, single submitter. Criteria: ACMG Guidelines, 2015. Collection method: clinical testing. Allele origin: germline.
Comment: The ACSF3 c.1672C>T variant is predicted to result in the amino acid substitution p.Arg558Trp. This variant has been reported in both the compound heterozygous and homozygous states in multiple unrelated individuals diagnosed with combined malonic and methylmalonic aciduria (CMAMMA; Sloan et al. 2011. PubMed ID: 21841779; Pupavac et al. 2016. PubMed ID: 26827111) and has been found to be one of the most commonly reported pathogenic variants in ACSF3 (Levtova et al. 2019. PubMed ID: 30740739). This variant is reported in 0.48% of alleles in individuals of European (Non-Finnish) descent in gnomAD. This variant is interpreted as pathogenic.

Ambry Genetics
Classification: Pathogenic for Inborn genetic diseases. Last evaluated: 2026-08-27. Review status: criteria provided, single submitter. Criteria: Ambry Variant Classification Scheme 2023. Collection method: clinical testing. Allele origin: germline.
Comment: The c.1672C>T (p.R558W) alteration is located in exon 11 (coding exon 9) of the ACSF3 gene. This alteration results from a C to T substitution at nucleotide position 1672, causing the arginine (R) at amino acid position 558 to be replaced by a tryptophan (W). Based on data from gnomAD, the T allele has an overall frequency of 0.259% (724/279804) total alleles studied. The highest observed frequency was 0.479% (612/127754) of European (non-Finnish) alleles. This variant has been identified in the homozygous state and/or in conjunction with other ACSF3 variant(s) in individual(s) with features consistent with mild combined malonic and methylmalonic aciduria; in at least one instance, the variants were identified in trans (Sloan, 2011; Pupavac, 2016; Brasil, 2018; Levtova, 2019). This amino acid position is highly conserved in available vertebrate species. The in silico prediction for this alteration is inconclusive. Based on the available evidence, this alteration is classified as pathogenic.

OLLIN Analises Genomicas, OLLIN
Classification: Pathogenic for Combined malonic and methylmalonic acidemia. Last evaluated: 2026-08-06. Review status: criteria provided, single submitter. Criteria: ACMG Guidelines 2015 PMID 25741868. Collection method: clinical testing. Allele origin: germline. Inheritance: Autosomal recessive inheritance.
Comment: This missense variant, located in exon 11 (of 11), has been reported in ClinVar (accession VCV000031134.89), in gnomAD with an allele frequency of 0.45%, and in the scientific literature, segregating with the phenotype and in compound heterozygosity, in individuals with ACSF3 related disorders (PMID: 30740739, 26827111, 21841779). In silico analysis is inconclusive regarding the impact of this variant. According to the currently available evidence, this variant has been classified as pathogenic (PM3_VS, PP1, PP4, BS1).

CeGaT Center for Human Genetics Tuebingen
Classification: Pathogenic. Last evaluated: 2026-07-01. Review status: criteria provided, single submitter. Criteria: CeGaT Center For Human Genetics Tuebingen Variant Classification Criteria Version 2. Collection method: clinical testing. Allele origin: germline. Affected: yes. Observed: 9 variant alleles.
Comment: ACSF3: PM3:Very Strong, PM2

Labcorp Genetics (formerly Invitae), Labcorp
Classification: Pathogenic for Combined malonic and methylmalonic acidemia. Last evaluated: 2026-02-02. Review status: criteria provided, single submitter. Criteria: Invitae Variant Classification Sherloc (09022015). Collection method: clinical testing. Allele origin: germline.
Comment: This sequence change replaces arginine, which is basic and polar, with tryptophan, which is neutral and slightly polar, at codon 558 of the ACSF3 protein (p.Arg558Trp). This variant is present in population databases (rs141090143, gnomAD 0.5%), and has an allele count higher than expected for a pathogenic variant. This missense change has been observed in individual(s) with methylmalonic acidemia (PMID: 21841779, 26827111; internal data). In at least one individual the data is consistent with being in trans (on the opposite chromosome) from a pathogenic variant. ClinVar contains an entry for this variant (Variation ID: 31134). Invitae Evidence Modeling of protein sequence and biophysical properties (such as structural, functional, and spatial information, amino acid conservation, physicochemical variation, residue mobility, and thermodynamic stability) indicates that this missense variant is expected to disrupt ACSF3 protein function with a positive predictive value of 95%. For these reasons, this variant has been classified as Pathogenic.

Variantyx, Inc.
Classification: Likely pathogenic for Combined malonic and methylmalonic acidemia. Last evaluated: 2025-12-22. Review status: criteria provided, single submitter. Criteria: Variantyx Assertion Criteria 2022. Collection method: clinical testing. Allele origin: germline. Inheritance: Autosomal recessive inheritance. Affected: no.
Comment: This is a nonsynonymous variant in the ACSF3 gene (OMIM: 614245). Pathogenic variants in this gene have been associated with autosomal recessive combined malonic and methylmalonic aciduria (CMAMMA). This variant has been reported in the homozygous or compound heterozygous state in many unrelated affected individuals (PMID: 30740739, 26827111, 21841779) (PM3). Computational algorithms produce conflicting evidence regarding the predicted functional impact of this variant (REVEL score: 0.503), but F\functional studies have shown that this variant alters ACSF3 protein function (PMID: 31376476 ) (PS3_Moderate). This variant has a 0.5782% maximum allele frequency in non-founder control populations. Based on the current evidence, this variant is classified as likely pathogenic for autosomal recessive combined malonic and methylmalonic aciduria (CMAMMA).

Natera, Inc.
Classification: Pathogenic for Combined malonic and methylmalonic aciduria. Last evaluated: 2025-11-14. Review status: criteria provided, single submitter. Criteria: Natera Variant Classification Schema (03/2026). Collection method: clinical testing. Allele origin: germline.
Comment: The c.1672C>T variant in ACSF3 is a missense variant predicted to cause substitution of arginine to tryptophan at amino acid 558. This variant is rare in the general population with a frequency below the threshold expected for the associated phenotype(s). This variant has been observed in one or more individuals affected with the associated recessive disease, as either homozygous or compound heterozygous with a second variant (PMID: 21841779, 26827111). Given the available evidence, this variant is classified as Pathogenic.

GeneDx
Classification: Pathogenic. Last evaluated: 2025-10-06. Review status: criteria provided, single submitter. Criteria: GeneDx Variant Classification Process June 2021. Collection method: clinical testing. Allele origin: germline. Affected: yes.
Comment: In silico analysis supports that this missense variant has a deleterious effect on protein structure/function; This variant is associated with the following publications: (PMID: 30609409, 21841779, 26827111, 28468868, 29555771, 29858964, 30041674, 30740739, 30665703, 30487145, 31462756, 31980526, 34426522, 33625768, 33726816, 34662886, 33879512, 17762044, 38536866, 36717752, 31376476, 34440436, 36404349, 39333430, 40458561)

Dasa
Classification: Pathogenic. Last evaluated: 2025-06-23. Review status: criteria provided, single submitter. Criteria: DASA Assertion Criteria. Collection method: clinical testing. Allele origin: germline.
Comment: NM_001243279.3(ACSF3):c.1672C>T (p.Arg558Trp) is a missense variant that results in the substitution of arginine with tryptophan. Functional evidence supports a deleterious effect on the gene or gene product (PMID: 21841779; PMID: 26827111; PMID: 30740739). This variant has been recurrently observed in individuals with related phenotype (PMID: 21841779; PMID: 26827111; PMID: 30740739). Segregation evidence has been reported in affected families. Multiple computational predictions support a deleterious effect on the gene or gene product. The variant is present at low frequency in population datasets. Based on the available data, this variant is classified as pathogenic.

Mayo Clinic Laboratories, Mayo Clinic
Classification: Pathogenic. Last evaluated: 2025-06-13. Review status: criteria provided, single submitter. Criteria: ACMG Guidelines, 2015. Collection method: clinical testing. Allele origin: germline. Observed: 4 variant alleles.
Comment: PP4, PM3, PS3, PS4

Blueprint Genetics
Classification: Pathogenic for ACSF3-related disorders. Last evaluated: 2024-11-25. Review status: criteria provided, single submitter. Criteria: ACMG Guidelines, 2015. Collection method: clinical testing. Allele origin: germline. Affected: yes. Observed: 5 variant alleles.

Revvity Omics, Revvity
Classification: Likely pathogenic for Combined malonic and methylmalonic acidemia. Last evaluated: 2024-09-25. Review status: criteria provided, single submitter. Criteria: ACMG Guidelines, 2015. Collection method: clinical testing. Allele origin: germline.